The following is an entry in ClinVar:

ClinVar aggregate classification (germline): Likely pathogenic (1 of 4 stars; one submission).

Conditions:
Anemia, nonspherocytic hemolytic, due to G6PD deficiency (CNSHA1). Also called: Hemolytic anemia due to G6PD deficiency; Class I glucose-6-phosphate dehydrogenase deficiency; Favism, susceptibility to; ANEMIA, CONGENITAL, NONSPHEROCYTIC HEMOLYTIC, 1. Identifiers: Orphanet 466026, MedGen C2720289, MONDO:0010480, OMIM 300908.

Submission:

Dunham Lab, University of Washington
Classification: Likely pathogenic for Anemia, nonspherocytic hemolytic, due to G6PD deficiency. Last evaluated: 2022-08-12. Review status: criteria provided, single submitter. Criteria: Bayesian ACMG Guidelines, 2018. Collection method: curation. Allele origin: maternal. Affected: yes.
Comment: Decreased activity in red blood cells (4%) (PS3). Not found in gnomAD (PM2). Post_P 0.988 (odds of pathogenicity 729.3, Prior_P 0.1).

Literature cited by the submitters: PubMed 6500558; PubMed 9192788.

NM_001360016.2(G6PD):c.695G>A (p.Cys232Tyr)

Gene: G6PD (glucose-6-phosphate dehydrogenase; minus strand). Cytogenetic location: Xq28.
Variant type: single nucleotide variant.
Coding change: c.695G>A on transcript NM_001360016.2 (MANE Select); coding-DNA position 695, G replaced by A.
Protein change: p.Cys232Tyr; replaces cysteine 232 with tyrosine.
Molecular consequence: missense variant.
Genome position (GRCh38, 1-based): chrX:154,534,110, C>T on the plus strand (G>A on the coding strand, the complement: G6PD is on the minus strand). VCF-style: chrX-154534110-C-T. GRCh37 (hg19) VCF-style: chrX-153762325-C-T.
Other names: G6PD Asahikawa; c.785G>A, p.Cys262Tyr (NM_000402.4); c.695G>A, p.Cys232Tyr (NM_001042351.3); short protein forms C232Y, C262Y.
Identifiers: ClinVar variation 1722750 (VCV001722750.2), dbSNP rs2523266813, ClinGen allele CA415236629.
Genomic context (GRCh38, chrX:154,534,110, plus strand): 5'-TCATCGAAATAGCCCCCGCGACCCTCAGTGCCAAAGGGCTCCTTGAAGGTGAGGATAACG[C>T]AGGCGATGTTGTCCCGGTTCCAGATGGGGCCGAAGATCCTGTTGGCAAATCTGCAGGGAG-3'
Protein context (NP_001346945.1, residues 222-242): GPIWNRDNIA[Cys232Tyr]VILTFKEPFG